The following is an entry in ClinVar:

ClinVar aggregate classification (germline): Uncertain significance (1 of 4 stars; one submission).

Conditions:
Inborn genetic diseases. Identifiers: MedGen C0950123, MeSH D030342.

Allele frequency attached by ClinVar (database versions not stated): gnomAD exomes below 0.00001.

Submission:

Ambry Genetics
Classification: Uncertain significance for Inborn genetic diseases. Last evaluated: 2023-04-03. Review status: criteria provided, single submitter. Criteria: Ambry Variant Classification Scheme 2023. Collection method: clinical testing. Allele origin: germline.
Comment: The p.M449L variant (also known as c.1345A>T), located in coding exon 10 of the BUB1B gene, results from an A to T substitution at nucleotide position 1345. The methionine at codon 449 is replaced by leucine, an amino acid with highly similar properties. This amino acid position is conserved. In addition, this alteration is predicted to be tolerated by in silico analysis. Since supporting evidence is limited at this time, the clinical significance of this alteration remains unclear.

NM_001211.6(BUB1B):c.1345A>T (p.Met449Leu)

Gene: BUB1B (BUB1 mitotic checkpoint serine/threonine kinase B; plus strand). Cytogenetic location: 15q15.1.
Variant type: single nucleotide variant.
Coding change: c.1345A>T on transcript NM_001211.6 (MANE Select); coding-DNA position 1345, A replaced by T.
Protein change: p.Met449Leu; replaces methionine 449 with leucine.
Molecular consequence: missense variant.
Genome position (GRCh38, 1-based): chr15:40,199,671, A>T. VCF-style: chr15-40199671-A-T. GRCh37 (hg19) VCF-style: chr15-40491872-A-T.
Other names: short protein forms M449L.
Identifiers: ClinVar variation 2565442 (VCV002565442.2), dbSNP rs758086809, ClinGen allele CA391688886.